The following is an entry in ClinVar:

NM_033118.4(MYLK2):c.1092C>T (p.Gly364=)

Gene: MYLK2 (myosin light chain kinase 2; plus strand). Cytogenetic location: 20q11.21.
Variant type: single nucleotide variant.
Coding change: c.1092C>T on transcript NM_033118.4 (MANE Select); coding-DNA position 1092, C replaced by T.
Protein change: p.Gly364=; no amino-acid change (glycine 364 retained).
Molecular consequence: synonymous variant.
Genome position (GRCh38, 1-based): chr20:31,826,806, C>T. VCF-style: chr20-31826806-C-T. GRCh37 (hg19) VCF-style: chr20-30414609-C-T.
Identifiers: ClinVar variation 382585 (VCV000382585.12), dbSNP rs745574239, ClinGen allele CA9803117.

ClinVar aggregate classification (germline): Likely benign. Review status: criteria provided, multiple submitters, no conflicts (2 of 4 stars). 3 submissions from 3 submitters: Likely benign (3). Last evaluated 2025-03-23.

Conditions:
Hypertrophic cardiomyopathy 1 (CMH1). Also called: Familial hypertrophic cardiomyopathy 1; MYH7-Related Familial Hypertrophic Cardiomyopathy. Identifiers: MedGen C3495498, MONDO:0008647, OMIM 192600.

Allele frequency attached by ClinVar (database versions not stated): gnomAD 0.00001; ExAC 0.00002; gnomAD exomes 0.00002; TOPMed 0.00005.
gnomAD v4.1: 17 of 1,613,894 alleles (0.0011%); highest among the groups gnomAD compares: Admixed American, 0.012%; no homozygotes.

Submissions (3):

Ambry Genetics
Classification: Likely benign. Last evaluated: 2025-03-23. Review status: criteria provided, single submitter. Criteria: Ambry Variant Classification Scheme 2023. Collection method: clinical testing. Allele origin: germline.

Labcorp Genetics (formerly Invitae), Labcorp
Classification: Likely benign for Hypertrophic cardiomyopathy 1. Last evaluated: 2025-02-17. Review status: criteria provided, single submitter. Criteria: Invitae Variant Classification Sherloc (09022015). Collection method: clinical testing. Allele origin: germline.

GeneDx
Classification: Likely benign. Last evaluated: 2015-12-29. Review status: criteria provided, single submitter. Criteria: GeneDx Variant Classification (06012015). Collection method: clinical testing. Allele origin: germline. Affected: yes.
Comment: This variant is considered likely benign or benign based on one or more of the following criteria: it is a conservative change, it occurs at a poorly conserved position in the protein, it is predicted to be benign by multiple in silico algorithms, and/or has population frequency not consistent with disease.